The following is an entry in ClinVar:

NM_003665.4(FCN3):c.393+1G>A

Gene: FCN3 (ficolin 3; minus strand). Cytogenetic location: 1p36.11.
Variant type: single nucleotide variant.
Coding change: c.393+1G>A on transcript NM_003665.4 (MANE Select); the canonical splice donor site of the intron after coding-DNA position 393, G replaced by A.
Molecular consequence: splice donor variant.
Genome position (GRCh38, 1-based): chr1:27,373,135, C>T on the plus strand (G>A on the coding strand, the complement: FCN3 is on the minus strand). VCF-style: chr1-27373135-C-T. GRCh37 (hg19) VCF-style: chr1-27699626-C-T.
Other names: NC_000001.10:g.27699626C>T; c.360+1G>A (NM_173452.3); c.393+1G>A (NM_003665.3).
Identifiers: ClinVar variation 3050683 (VCV003050683.3), dbSNP rs148234540, ClinGen allele CA714332.

ClinVar aggregate classification (germline): Uncertain significance (0 of 4 stars; one submission).

Conditions:
FCN3-related disorder. Also called: FCN3-related condition.

Allele frequency attached by ClinVar (database versions not stated): gnomAD exomes 0.00010; ExAC 0.00032; 1000 Genomes Project 0.00080; 1000 Genomes Project 30x 0.00094; gnomAD 0.00096; TOPMed 0.00112; ESP Exome Variant Server 0.00131.
gnomAD v4.1: 290 of 1,613,542 alleles (0.018%); highest among the groups gnomAD compares: African/African-American, 0.32%; 1 homozygote.

Submissions (4):

PreventionGenetics, part of Exact Sciences
Classification: Uncertain significance for FCN3-related condition. Last evaluated: 2023-11-08. Review status: no assertion criteria provided. Collection method: clinical testing. Allele origin: germline.
Comment: The FCN3 c.393+1G>A variant is predicted to disrupt the GT donor site and interfere with normal splicing. This variant was reported in an individual with cardiovascular disease trait, however additional clinical details were not provided (Supplemental Table 1, Glicksberg et al. 2019. PubMed ID: 31345219). This variant is reported in 0.31% of alleles in individuals of African descent in gnomAD. At this time, the clinical significance of this variant is uncertain due to the absence of conclusive functional and genetic evidence.

Dr. Peter K. Rogan Lab, Western University
No classification provided (evidence only). Condition: Familial cancer of breast. Review status: no classification provided. Collection method: in vitro. Allele origin: not applicable. Functional consequence: retained intron. Not counted in ClinVar's aggregate classification.

Dr. Peter K. Rogan Lab, Western University
No classification provided (evidence only). Condition: Uterine corpus endometrial carcinoma. Review status: no classification provided. Collection method: in vitro. Allele origin: not applicable. Functional consequence: skipped exon. Not counted in ClinVar's aggregate classification.

Dr. Peter K. Rogan Lab, Western University
No classification provided (evidence only). Condition: Sarcoma. Review status: no classification provided. Collection method: in vitro. Allele origin: not applicable. Functional consequence: skipped exon. Not counted in ClinVar's aggregate classification.